The following is an entry in ClinVar:

NM_003789.4(TRADD):c.573GCC[4] (p.Pro197_Pro198del)

Gene: TRADD (TNFRSF1A associated via death domain; minus strand). Cytogenetic location: 16q22.1.
Variant type: Microsatellite.
Coding change: c.573GCC[4] on transcript NM_003789.4 (MANE Select); four copies in a row of the 3-base unit GCC starting at c.573; the reference has six copies in a row; two copies, 6 bases deleted.
Protein change: p.Pro197_Pro198del.
Molecular consequence: inframe deletion.
Genome position (GRCh38, 1-based): chr16:67,155,134-67,155,139, GGCGGC deleted on the plus strand (GCCGCC on the coding strand, the reverse complement: TRADD is on the minus strand); deleting any 6 consecutive bases within chr16:67,155,134-67,155,151 gives the same sequence; the position shown is the placement nearest the transcript's 3' end. VCF-style (leftmost placement, unchanged base first): chr16-67155133-TGGCGGC-T. GRCh37 (hg19) VCF-style: chr16-67189036-TGGCGGC-T.
Other names: c.573GCC[4], p.Pro197_Pro198del (NM_001323552.2).
Identifiers: ClinVar variation 4977535 (VCV004977535.1).

ClinVar aggregate classification (germline): Uncertain significance (1 of 4 stars; one submission).

Conditions:
TRADD-related disorder. Also called: TRADD-related condition.

Submission:

PreventionGenetics, part of Exact Sciences
Classification: Uncertain significance for TRADD-related condition. Last evaluated: 2026-04-27. Review status: criteria provided, single submitter. Criteria: ACMG Guidelines, 2015. Collection method: clinical testing. Allele origin: germline.
Comment: The TRADD c.585_590del6 variant is predicted to result in an in-frame deletion (p.Pro197_Pro198del). To our knowledge, this variant has not been reported in the literature. This variant is reported in 0.0065% of alleles in individuals of European (Non-Finnish) descent in gnomAD. At this time, the clinical significance of this variant is uncertain due to the absence of conclusive functional and genetic evidence.